The following is an entry in ClinVar:

ClinVar aggregate classification (germline): Uncertain significance (1 of 4 stars; one submission).

Conditions:
BAP1-related tumor predisposition syndrome (TPDS1). Also called: COMMON Syndrome; Tumor susceptibility linked to germline BAP1 mutations; TUMOR PREDISPOSITION SYNDROME 1; BAP1 tumor predisposition syndrome. Identifiers: Orphanet 289539, MedGen C3280492, MONDO:0013692, OMIM 614327.

Submission:

Labcorp Genetics (formerly Invitae), Labcorp
Classification: Uncertain significance for BAP1-related tumor predisposition syndrome. Last evaluated: 2024-03-05. Review status: criteria provided, single submitter. Criteria: Invitae Variant Classification Sherloc (09022015). Collection method: clinical testing. Allele origin: germline.
Comment: This sequence change replaces arginine, which is basic and polar, with serine, which is neutral and polar, at codon 548 of the BAP1 protein (p.Arg548Ser). This variant is not present in population databases (gnomAD no frequency). This variant has not been reported in the literature in individuals affected with BAP1-related conditions. Advanced modeling of protein sequence and biophysical properties (such as structural, functional, and spatial information, amino acid conservation, physicochemical variation, residue mobility, and thermodynamic stability) performed at Invitae indicates that this missense variant is not expected to disrupt BAP1 protein function with a negative predictive value of 80%. In summary, the available evidence is currently insufficient to determine the role of this variant in disease. Therefore, it has been classified as a Variant of Uncertain Significance.

NM_004656.4(BAP1):c.1642C>A (p.Arg548Ser)

Gene: BAP1 (BRCA1 associated deubiquitinase 1; minus strand). Cytogenetic location: 3p21.1.
Variant type: single nucleotide variant.
Coding change: c.1642C>A on transcript NM_004656.4 (MANE Select); coding-DNA position 1642, C replaced by A.
Protein change: p.Arg548Ser; replaces arginine 548 with serine.
Molecular consequence: missense variant.
Genome position (GRCh38, 1-based): chr3:52,403,503, G>T on the plus strand (C>A on the coding strand, the complement: BAP1 is on the minus strand). VCF-style: chr3-52403503-G-T. GRCh37 (hg19) VCF-style: chr3-52437519-G-T.
Other names: c.1588C>A, p.Arg530Ser (NM_001410772.1); short protein forms R548S, R530S.
Identifiers: ClinVar variation 3644548 (VCV003644548.2).